The following is an entry in ClinVar:

ClinVar aggregate classification (germline): Pathogenic/Likely pathogenic. Review status: criteria provided, multiple submitters, no conflicts (2 of 4 stars). 5 submissions from 5 submitters: Pathogenic (2); Likely pathogenic (1). 2 of the submissions do not count toward it. Last evaluated 2025-01-13.

Conditions:
CACNA1A-related disorder. Also called: CACNA1A-related condition.
Developmental and epileptic encephalopathy, 42 (DEE42A). Also called: DEVELOPMENTAL AND EPILEPTIC ENCEPHALOPATHY 42A; EPILEPTIC ENCEPHALOPATHY, EARLY INFANTILE, 42A; Epileptic encephalopathy, early infantile, 42. Identifiers: MedGen C4310716, MONDO:0014917, OMIM 617106.
Migraine, familial hemiplegic, 1. Also called: MIGRAINE, FAMILIAL HEMIPLEGIC 1, WITH PROGRESSIVE CEREBELLAR ATAXIA. Identifiers: Orphanet 569, MedGen C1832884, MONDO:0020756, OMIM 141500, MONDO:0007714.

Submissions (5):

GeneDx
Classification: Pathogenic. Last evaluated: 2025-01-13. Review status: criteria provided, single submitter. Criteria: GeneDx Variant Classification Process June 2021. Collection method: clinical testing. Allele origin: germline. Affected: yes.
Comment: Not observed at significant frequency in large population cohorts (gnomAD); Published functional studies demonstrate a damaging effect through loss of function in Cav2.1 channel activity (PMID: 33557884); In silico analysis supports that this missense variant has a deleterious effect on protein structure/function; This variant is associated with the following publications: (PMID: 8898206, 9915947, 28058944, 36305856, 37422902, 20837964, 11061267, 22082423, 28717674, 35936582, 33557884)

Blueprint Genetics
Classification: Pathogenic for CACNA1A-related disorders. Last evaluated: 2019-11-18. Review status: criteria provided, single submitter. Criteria: ACMG Guidelines, 2015. Collection method: clinical testing. Allele origin: de novo. Affected: yes. Observed: 1 variant allele.

Kasturba Medical College, Manipal, Kasturba Medical College, Manipal, Manipal Academy of Higher Education, Manipal, India
Classification: Likely pathogenic for Developmental and epileptic encephalopathy, 42. Review status: criteria provided, single submitter. Criteria: ACMG Guidelines, 2015. Collection method: research. Allele origin: de novo. Inheritance: Autosomal dominant inheritance. Affected: yes. Observed: 1 heterozygote.
Comment: This variant is absent in the gnomAD (v4.1.0) population database and in our in-house database of 3810 exomes. In silico prediction tools (CADD Phred, REVEL and MutationTaster) are consistent in predicting the variant to be damaging to CACNA1A protein function.

OMIM
Classification: Pathogenic for MIGRAINE, FAMILIAL HEMIPLEGIC, 1. Last evaluated: 2000-10-10. Review status: no assertion criteria provided. Collection method: literature only. Allele origin: germline. Not counted in ClinVar's aggregate classification.

UniProtKB/Swiss-Prot
No classification provided. Condition: Familial hemiplegic migraine type 1. Review status: no classification provided. Collection method: not provided. Allele origin: not provided. Not counted in ClinVar's aggregate classification.
Comment: Variant designated as Y1385C in source PubMed 11439943

Literature cited by the submitters: PubMed 33557884 (cited by Kasturba Medical College, Manipal, Kasturba Medical College, Manipal, Manipal Academy of Higher Education, Manipal, India); PubMed 20837964 (cited by Kasturba Medical College, Manipal, Kasturba Medical College, Manipal, Manipal Academy of Higher Education, Manipal, India); PubMed 11061267 (cited by OMIM); PubMed 8898206 (cited by OMIM); PubMed 9915947 (cited by OMIM).

NM_001127222.2(CACNA1A):c.4148A>G (p.Tyr1383Cys)

Genes: CACNA1A (calcium voltage-gated channel subunit alpha1 A; minus strand), LOC126862864 (MED14-independent group 3 enhancer GRCh37_chr19:13371552-13372751; plus strand). Cytogenetic location: 19p13.13.
Variant type: single nucleotide variant.
Coding change: c.4148A>G on transcript NM_001127222.2 (MANE Select); coding-DNA position 4148, A replaced by G.
Protein change: p.Tyr1383Cys; replaces tyrosine 1383 with cysteine.
Molecular consequence: missense variant.
Genome position (GRCh38, 1-based): chr19:13,261,552, T>C on the plus strand (A>G on the coding strand, the complement: CACNA1A is on the minus strand). VCF-style: chr19-13261552-T-C. GRCh37 (hg19) VCF-style: chr19-13372366-T-C.
Other names: Y1385C; c.4160A>G, p.Tyr1387Cys (NM_000068.4, NM_023035.3); c.4151A>G, p.Tyr1384Cys (NM_001127221.2, NM_001174080.2); short protein forms Y1383C, Y1384C, Y1387C.
Identifiers: ClinVar variation 8499 (VCV000008499.5), dbSNP rs121908219, ClinGen allele CA254450.
Genomic context (GRCh38, chr19:13,261,552, plus strand): 5'-AAGAATTTCCCCTTGAAGAGCTGCACAGCCACCACGGCGAAGATGAACATGAATAGCATG[T>C]AGACGATGAGGATGTTGAAGACGTTTTTAAGTGAGTTCACCACACAGTCAAACACAGCCT-3'
Protein context (NP_001120694.1, residues 1373-1393): LKNVFNILIV[Tyr1383Cys]MLFMFIFAVV